The following is an entry in ClinVar:

NM_000059.4(BRCA2):c.8754+3G>A

Gene: BRCA2 (BRCA2 DNA repair associated; plus strand). Cytogenetic location: 13q13.1.
Variant type: single nucleotide variant.
Coding change: c.8754+3G>A on transcript NM_000059.4 (MANE Select); 3 bases into the intron after coding-DNA position 8754, G replaced by A.
Molecular consequence: intron variant.
Genome position (GRCh38, 1-based): chr13:32,376,794, G>A. VCF-style: chr13-32376794-G-A. GRCh37 (hg19) VCF-style: chr13-32950931-G-A.
Identifiers: ClinVar variation 462494 (VCV000462494.10), dbSNP rs397508007, ClinGen allele CA658656396.

ClinVar aggregate classification (germline): Uncertain significance. Review status: criteria provided, multiple submitters, no conflicts (2 of 4 stars). 3 submissions from 3 submitters: Uncertain significance (3). Last evaluated 2024-10-14.

Conditions:
Hereditary breast ovarian cancer syndrome. Also called: Hereditary breast and ovarian cancer syndrome (HBOC); Hereditary breast and ovarian cancer syndrome; Breast and ovarian cancer; Hereditary breast and/or ovarian cancer syndrome; Hereditary breast and ovarian cancer; BRCA1- and BRCA2-Associated Hereditary Breast and Ovarian Cancer. Identifiers: Orphanet 145, MedGen C0677776, MeSH D061325, MONDO:0003582. Disease mechanism: loss of function.
Hereditary cancer-predisposing syndrome. Also called: Neoplastic Syndromes, Hereditary; Hereditary Cancer Syndrome; Hereditary neoplastic syndrome; Tumor predisposition. Identifiers: Orphanet 140162, MedGen C0027672, MeSH D009386, MONDO:0015356.

Submissions (3):

Ambry Genetics
Classification: Uncertain significance for Hereditary cancer-predisposing syndrome. Last evaluated: 2024-10-14. Review status: criteria provided, single submitter. Criteria: Ambry Variant Classification Scheme 2023. Collection method: clinical testing. Allele origin: germline.
Comment: The c.8754+3G>A intronic variant results from a G to A substitution 3 nucleotides after coding exon 20 in the BRCA2 gene. This nucleotide position is not well conserved in available vertebrate species. In silico splice site analysis predicts that this alteration will not have any significant effect on splicing. Based on the available evidence, the clinical significance of this variant remains unclear.

Color Diagnostics, LLC DBA Color Health
Classification: Uncertain significance for Hereditary cancer-predisposing syndrome. Last evaluated: 2023-09-05. Review status: criteria provided, single submitter. Criteria: ACMG Guidelines, 2015. Collection method: clinical testing. Allele origin: germline.
Comment: This variant causes a G to A nucleotide substitution at the +3 position of intron 21 of the BRCA2 gene. To our knowledge, functional studies have not been reported for this variant. This variant has not been reported in individuals affected with BRCA2-related disorders in the literature. This variant has not been identified in the general population by the Genome Aggregation Database (gnomAD). The available evidence is insufficient to determine the role of this variant in disease conclusively. Therefore, this variant is classified as a Variant of Uncertain Significance.

Labcorp Genetics (formerly Invitae), Labcorp
Classification: Uncertain significance for Hereditary breast ovarian cancer syndrome. Last evaluated: 2017-06-04. Review status: criteria provided, single submitter. Criteria: Invitae Variant Classification Sherloc (09022015). Collection method: clinical testing. Allele origin: germline.
Comment: This sequence change falls in intron 21 of the BRCA2 gene. It does not directly change the encoded amino acid sequence of the BRCA2 protein, but it affects a nucleotide within the consensus splice site of the intron. This variant is not present in population databases (ExAC no frequency). This variant has not been reported in the literature in individuals with a BRCA2-related disease. Nucleotide substitutions within the consensus splice site are relatively common causes of aberrant splicing (PMID: 17576681, 9536098). Algorithms developed to predict the effect of sequence changes on RNA splicing suggest that this variant is not likely to affect RNA splicing, but this prediction has not been confirmed by published transcriptional studies. In summary, this variant has uncertain impact on BRCA2 function. The available evidence is currently insufficient to determine its role in disease. Therefore, it has been classified as a Variant of Uncertain Significance.

Literature cited by the submitters: PubMed 17576681 (cited by Labcorp Genetics (formerly Invitae), Labcorp); PubMed 9536098 (cited by Labcorp Genetics (formerly Invitae), Labcorp).